The following is an entry in ClinVar:

NM_006516.4(SLC2A1):c.683T>A (p.Leu228Gln)

Gene: SLC2A1 (solute carrier family 2 member 1; minus strand). Cytogenetic location: 1p34.2.
Variant type: single nucleotide variant.
Coding change: c.683T>A on transcript NM_006516.4 (MANE Select); coding-DNA position 683, T replaced by A.
Protein change: p.Leu228Gln; replaces leucine 228 with glutamine.
Molecular consequence: missense variant.
Genome position (GRCh38, 1-based): chr1:42,929,777, A>T on the plus strand (T>A on the coding strand, the complement: SLC2A1 is on the minus strand). VCF-style: chr1-42929777-A-T. GRCh37 (hg19) VCF-style: chr1-43395448-A-T.
Other names: short protein forms L228Q.
Identifiers: ClinVar variation 4799892 (VCV004799892.1).

ClinVar aggregate classification (germline): Likely pathogenic (1 of 4 stars; one submission).

Conditions:
GLUT1 deficiency syndrome 1, autosomal recessive. Identifiers: MedGen C3149117.

Submission:

Labcorp Genetics (formerly Invitae), Labcorp
Classification: Likely pathogenic for GLUT1 deficiency syndrome 1, autosomal recessive. Last evaluated: 2026-01-21. Review status: criteria provided, single submitter. Criteria: Invitae Variant Classification Sherloc (09022015). Collection method: clinical testing. Allele origin: germline.
Comment: This sequence change replaces leucine, which is neutral and non-polar, with glutamine, which is neutral and polar, at codon 228 of the SLC2A1 protein (p.Leu228Gln). This variant is not present in population databases (gnomAD no frequency). This variant has not been reported in the literature in individuals affected with SLC2A1-related conditions. Invitae Evidence Modeling of protein sequence and biophysical properties (such as structural, functional, and spatial information, amino acid conservation, physicochemical variation, residue mobility, and thermodynamic stability) indicates that this missense variant is expected to disrupt SLC2A1 protein function with a positive predictive value of 95%. This variant disrupts the p.Leu228 amino acid residue in SLC2A1. Other variant(s) that disrupt this residue have been determined to be pathogenic (internal data). This suggests that this residue is clinically significant, and that variants that disrupt this residue are likely to be disease-causing. In summary, the currently available evidence indicates that the variant is pathogenic, but additional data are needed to prove that conclusively. Therefore, this variant has been classified as Likely Pathogenic.